The following is an entry in ClinVar:

ClinVar aggregate classification (germline): Uncertain significance. Review status: criteria provided, multiple submitters, no conflicts (2 of 4 stars). 3 submissions from 3 submitters: Uncertain significance (2). 1 of the submissions does not count toward it. Last evaluated 2026-03-01.

Conditions:
Ehlers-Danlos syndrome, dermatosparaxis type. Also called: Dermatosparaxis; Ehlers-Danlos syndrome, type VII, autosomal recessive; EDS VIIC. Identifiers: Orphanet 1901, MedGen C2700425, MONDO:0009161, OMIM 225410.

Allele frequency attached by ClinVar (database versions not stated): gnomAD exomes below 0.00001; TOPMed below 0.00001; gnomAD 0.00001.
gnomAD v4.1: 2 of 1,613,682 alleles (0.00012%); highest among the groups gnomAD compares: Non-Finnish European, 0.00017%; no homozygotes.

Submissions (3):

CeGaT Center for Human Genetics Tuebingen
Classification: Uncertain significance. Last evaluated: 2026-03-01. Review status: criteria provided, single submitter. Criteria: CeGaT Center For Human Genetics Tuebingen Variant Classification Criteria Version 2. Collection method: clinical testing. Allele origin: germline. Affected: yes. Observed: 1 variant allele.
Comment: ADAMTS2: PM2

GeneDx
Classification: Uncertain significance. Last evaluated: 2020-08-28. Review status: criteria provided, single submitter. Criteria: GeneDx Variant Classification Process June 2021. Collection method: clinical testing. Allele origin: germline. Affected: yes.
Comment: Not observed at a significant frequency in large population cohorts (Lek et al., 2016); In silico analysis supports that this missense variant has a deleterious effect on protein structure/function; Has not been previously published as pathogenic or benign to our knowledge

Natera, Inc.
Classification: Uncertain significance for Ehlers-Danlos syndrome type VIIC. Last evaluated: 2021-05-18. Review status: no assertion criteria provided. Collection method: clinical testing. Allele origin: germline. Not counted in ClinVar's aggregate classification.

NM_014244.5(ADAMTS2):c.1565A>G (p.Asn522Ser)

Gene: ADAMTS2 (ADAM metallopeptidase with thrombospondin type 1 motif 2; minus strand). Cytogenetic location: 5q35.3.
Variant type: single nucleotide variant.
Coding change: c.1565A>G on transcript NM_014244.5 (MANE Select); coding-DNA position 1565, A replaced by G.
Protein change: p.Asn522Ser; replaces asparagine 522 with serine.
Molecular consequence: missense variant.
Genome position (GRCh38, 1-based): chr5:179,152,206, T>C on the plus strand (A>G on the coding strand, the complement: ADAMTS2 is on the minus strand). VCF-style: chr5-179152206-T-C. GRCh37 (hg19) VCF-style: chr5-178579207-T-C.
Other names: c.1565A>G, p.Asn522Ser (NM_021599.4); short protein forms N522S.
Identifiers: ClinVar variation 1213268 (VCV001213268.8), dbSNP rs1243941175, ClinGen allele CA362431235.